The following is an entry in ClinVar:

ClinVar aggregate classification (germline): Likely pathogenic (1 of 4 stars; one submission).

Conditions:
Neurodevelopmental disorder with dysmorphic facies and distal skeletal anomalies. Identifiers: MedGen C5231448, MONDO:0032855, OMIM 618659.

Submission:

3billion
Classification: Likely pathogenic for Neurodevelopmental disorder with dysmorphic facies and distal skeletal anomalies. Last evaluated: 2024-06-05. Review status: criteria provided, single submitter. Criteria: ACMG Guidelines, 2015. Collection method: clinical testing. Allele origin: germline. Affected: yes.
Comment: The variant is observed at an extremely low frequency in the gnomAD v4.0.0 dataset (total allele frequency: <0.001%). Predicted Consequence/Location: Frameshift: predicted to result in a loss or disruption of normal protein function through nonsense-mediated decay (NMD) or protein truncation. Multiple pathogenic variants are reported downstream of the variant. Therefore, this variant is classified as Likely pathogenic according to the recommendation of ACMG/AMP guideline.

NM_020338.4(ZMIZ1):c.1014del (p.Pro339fs)

Gene: ZMIZ1 (zinc finger MIZ-type containing 1; plus strand). Cytogenetic location: 10q22.3.
Variant type: Deletion.
Coding change: c.1014del on transcript NM_020338.4 (MANE Select); coding-DNA position 1014, one base deleted (G; older notation c.1014delG).
Protein change: p.Pro339fs; shifts the reading frame from proline 339.
Molecular consequence: frameshift variant.
Genome position (GRCh38, 1-based): chr10:79,293,437, G deleted; the last of 5 consecutive G bases (chr10:79,293,433-79,293,437); deleting any one gives the same sequence. VCF-style (leftmost placement, unchanged base first): chr10-79293432-CG-C. GRCh37 (hg19) VCF-style: chr10-81053189-CG-C.
Other names: short protein forms P339fs.
Identifiers: ClinVar variation 4292614 (VCV004292614.1).